The following is an entry in ClinVar:

NM_000294.2(PHKG2):c.-114T>C

Genes: PHKG2 (phosphorylase kinase catalytic subunit gamma 2; plus strand), LOC130058864 (ATAC-STARR-seq lymphoblastoid silent region 7391; plus strand). Cytogenetic location: 16p11.2.
Variant type: single nucleotide variant.
Coding change: c.-114T>C on transcript NM_000294.2; 114 bases upstream of the start codon, T replaced by C.
Genome position (GRCh38, 1-based): chr16:30,748,395, T>C. VCF-style: chr16-30748395-T-C. GRCh37 (hg19) VCF-style: chr16-30759716-T-C.
Identifiers: ClinVar variation 318927 (VCV000318927.11), dbSNP rs11863277, ClinGen allele CA10647347.

ClinVar aggregate classification (germline): Benign. Review status: criteria provided, multiple submitters, no conflicts (2 of 4 stars). 3 submissions from 3 submitters: Benign (3). Last evaluated 2018-06-29.

Conditions:
Glycogen storage disease IXc (GSD9C). Also called: GSD IXc. Identifiers: Orphanet 264580, MedGen C2751643, MONDO:0013091, OMIM 613027.

Allele frequency attached by ClinVar (database versions not stated): TOPMed 0.97781; gnomAD 0.98017 and 0.97872; 1000 Genomes Project 0.98143; gnomAD exomes 0.99909; 1000 Genomes Project 30x 0.97939.

Submissions (3):

GeneDx
Classification: Benign. Last evaluated: 2018-06-29. Review status: criteria provided, single submitter. Criteria: GeneDx Variant Classification Process June 2021. Collection method: clinical testing. Allele origin: germline. Affected: yes.

Illumina Laboratory Services, Illumina
Classification: Benign for Glycogen storage disease IXc. Last evaluated: 2018-01-13. Review status: criteria provided, single submitter. Criteria: ICSL Variant Classification Criteria 13 December 2019. Collection method: clinical testing. Allele origin: germline.
Comment: This variant was observed in the ICSL laboratory as part of a predisposition screen in an ostensibly healthy population. It had not been previously curated by ICSL or reported in the Human Gene Mutation Database (HGMD: prior to June 1st, 2018), and was therefore a candidate for classification through an automated scoring system. Utilizing variant allele frequency, disease prevalence and penetrance estimates, and inheritance mode, an automated score was calculated to assess if this variant is too frequent to cause the disease. Based on the score and internal cut-off values, a variant classified as benign is not then subjected to further curation. The score for this variant resulted in a classification of benign for this disease.

Breakthrough Genomics
Classification: Benign. Review status: criteria provided, single submitter. Criteria: ACMG Guidelines, 2015. Collection method: not provided. Allele origin: germline. Inheritance: Autosomal recessive inheritance. Affected: yes.